The following is an entry in ClinVar:

NM_001378609.3(OTOGL):c.863T>G (p.Val288Gly)

Gene: OTOGL (otogelin like; plus strand). Cytogenetic location: 12q21.31.
Variant type: single nucleotide variant.
Coding change: c.863T>G on transcript NM_001378609.3 (MANE Select); coding-DNA position 863, T replaced by G.
Protein change: p.Val288Gly; replaces valine 288 with glycine.
Molecular consequence: missense variant.
Genome position (GRCh38, 1-based): chr12:80,238,896, T>G. VCF-style: chr12-80238896-T-G. GRCh37 (hg19) VCF-style: chr12-80632676-T-G.
Other names: c.863T>G, p.Val288Gly (NM_001378610.3, NM_001368062.3, NM_173591.7); short protein forms V288G.
Identifiers: ClinVar variation 2998462 (VCV002998462.3), dbSNP rs1299966283, ClinGen allele CA385850086.

ClinVar aggregate classification (germline): Uncertain significance (1 of 4 stars; one submission).

Allele frequency attached by ClinVar (database versions not stated): gnomAD exomes below 0.00001; gnomAD 0.00001.

Submission:

Labcorp Genetics (formerly Invitae), Labcorp
Classification: Uncertain significance. Last evaluated: 2023-12-02. Review status: criteria provided, single submitter. Criteria: Invitae Variant Classification Sherloc (09022015). Collection method: clinical testing. Allele origin: germline.
Comment: This sequence change replaces valine, which is neutral and non-polar, with glycine, which is neutral and non-polar, at codon 279 of the OTOGL protein (p.Val279Gly). This variant is present in population databases (no rsID available, gnomAD 0.1%). This variant has not been reported in the literature in individuals affected with OTOGL-related conditions. An algorithm developed to predict the effect of missense changes on protein structure and function (PolyPhen-2) suggests that this variant is likely to be disruptive. In summary, the available evidence is currently insufficient to determine the role of this variant in disease. Therefore, it has been classified as a Variant of Uncertain Significance.